The following is an entry in ClinVar:

ClinVar aggregate classification (germline): Uncertain significance (1 of 4 stars; one submission).

Conditions:
Gorlin syndrome. Also called: Nevoid Basal Cell Carcinoma Syndrome; Basal cell nevus syndrome. Identifiers: Orphanet 377, MedGen C0004779, MONDO:0007187.

Submission:

Baylor Genetics
Classification: Uncertain significance for Basal cell nevus syndrome 1. Last evaluated: 2021-03-04. Review status: criteria provided, single submitter. Criteria: ACMG Guidelines, 2015. Collection method: clinical testing. Allele origin: unknown. Affected: yes. Study: CSER-TexasKidsCanSeq.
Comment: This variant was determined to be of uncertain significance according to ACMG Guidelines, 2015 [PMID:25741868].

NM_003738.5(PTCH2):c.3258G>C (p.Arg1086Ser)

Gene: PTCH2 (patched 2; minus strand). Cytogenetic location: 1p34.1.
Variant type: single nucleotide variant.
Coding change: c.3258G>C on transcript NM_003738.5 (MANE Select); coding-DNA position 3258, G replaced by C.
Protein change: p.Arg1086Ser; replaces arginine 1086 with serine.
Molecular consequence: missense variant.
Genome position (GRCh38, 1-based): chr1:44,823,168, C>G on the plus strand (G>C on the coding strand, the complement: PTCH2 is on the minus strand). VCF-style: chr1-44823168-C-G. GRCh37 (hg19) VCF-style: chr1-45288840-C-G.
Other names: c.3258G>C, p.Arg1086Ser (NM_001166292.2); short protein forms R1086S.
Identifiers: ClinVar variation 1327101 (VCV001327101.1), dbSNP rs908352571, ClinGen allele CA21805606.